The following is an entry in ClinVar:

ClinVar aggregate classification (germline): Uncertain significance (1 of 4 stars; one submission).

Conditions:
Charcot-Marie-Tooth disease type 2. Also called: Charcot-Marie-Tooth type 2. Identifiers: Orphanet 64746, MedGen C0270914, MONDO:0018993.

Allele frequency attached by ClinVar (database versions not stated): TOPMed 0.00001.

Submission:

Labcorp Genetics (formerly Invitae), Labcorp
Classification: Uncertain significance for Charcot-Marie-Tooth disease type 2. Last evaluated: 2019-07-26. Review status: criteria provided, single submitter. Criteria: Invitae Variant Classification Sherloc (09022015). Collection method: clinical testing. Allele origin: germline.
Comment: In summary, the available evidence is currently insufficient to determine the role of this variant in disease. Therefore, it has been classified as a Variant of Uncertain Significance. Algorithms developed to predict the effect of sequence changes on RNA splicing suggest that this variant is not likely to affect RNA splicing, but this prediction has not been confirmed by published transcriptional studies. This variant has been observed in an individual affected with limb-girdle muscular dystrophy (PMID: 22326558). This variant is not present in population databases (ExAC no frequency). This sequence change affects codon 157 of the LMNA mRNA. It is a 'silent' change, meaning that it does not change the encoded amino acid sequence of the LMNA protein.

Literature cited by the submitters: PubMed 22326558.

NM_170707.4(LMNA):c.471G>T (p.Thr157=)

Genes: LMNA (lamin A/C; plus strand), LOC126805877 (MED14-independent group 3 enhancer GRCh37_chr1:156099693-156100892; plus strand). Cytogenetic location: 1q22.
Variant type: single nucleotide variant.
Coding change: c.471G>T on transcript NM_170707.4 (MANE Select); coding-DNA position 471, G replaced by T.
Protein change: p.Thr157=; no amino-acid change (threonine 157 retained).
Molecular consequence: synonymous variant.
Genome position (GRCh38, 1-based): chr1:156,130,731, G>T. VCF-style: chr1-156130731-G-T. GRCh37 (hg19) VCF-style: chr1-156100522-G-T.
Other names: c.135G>T, p.Thr45= (NM_001257374.3); c.228G>T, p.Thr76= (NM_001282624.2); c.471G>T, p.Thr157= (NM_001282625.2, NM_001282626.2, NM_005572.4 and 1 more transcripts).
Identifiers: ClinVar variation 962605 (VCV000962605.10), dbSNP rs150645079, ClinGen allele CA421068341.